The following is an entry in ClinVar:

ClinVar aggregate classification (germline): Uncertain significance (1 of 4 stars; one submission).

Submission:

Labcorp Genetics (formerly Invitae), Labcorp
Classification: Uncertain significance. Last evaluated: 2023-03-12. Review status: criteria provided, single submitter. Criteria: Invitae Variant Classification Sherloc (09022015). Collection method: clinical testing. Allele origin: germline.
Comment: This variant is not present in population databases (gnomAD no frequency). This sequence change replaces glutamic acid, which is acidic and polar, with glycine, which is neutral and non-polar, at codon 969 of the MYO6 protein (p.Glu969Gly). In summary, the available evidence is currently insufficient to determine the role of this variant in disease. Therefore, it has been classified as a Variant of Uncertain Significance. Advanced modeling of protein sequence and biophysical properties (such as structural, functional, and spatial information, amino acid conservation, physicochemical variation, residue mobility, and thermodynamic stability) has been performed at Invitae for this missense variant, however the output from this modeling did not meet the statistical confidence thresholds required to predict the impact of this variant on MYO6 protein function. This variant has not been reported in the literature in individuals affected with MYO6-related conditions.

NM_004999.4(MYO6):c.2906A>G (p.Glu969Gly)

Gene: MYO6 (myosin VI; plus strand). Cytogenetic location: 6q14.1.
Variant type: single nucleotide variant.
Coding change: c.2906A>G on transcript NM_004999.4 (MANE Select); coding-DNA position 2906, A replaced by G.
Protein change: p.Glu969Gly; replaces glutamic acid 969 with glycine.
Molecular consequence: missense variant. On other transcripts: non-coding transcript variant (1).
Genome position (GRCh38, 1-based): chr6:75,891,266, A>G. VCF-style: chr6-75891266-A-G. GRCh37 (hg19) VCF-style: chr6-76600983-A-G.
Other names: c.2906A>G, p.Glu969Gly (NM_001300899.2, NM_001368136.1, NM_001368137.1 and 2 more transcripts); c.2891A>G, p.Glu964Gly (NM_001368138.1); short protein forms E964G, E969G.
Identifiers: ClinVar variation 2845189 (VCV002845189.3), dbSNP rs2535600578, ClinGen allele CA364777571.